The following is an entry in ClinVar:

NM_001999.4(FBN2):c.2992A>G (p.Ile998Val)

Genes: FBN2 (fibrillin 2; minus strand), LOC126807501 (BRD4-independent group 4 enhancer GRCh37_chr5:127680731-127681930; plus strand). Cytogenetic location: 5q23.3.
Variant type: single nucleotide variant.
Coding change: c.2992A>G on transcript NM_001999.4 (MANE Select); coding-DNA position 2992, A replaced by G.
Protein change: p.Ile998Val; replaces isoleucine 998 with valine.
Molecular consequence: missense variant.
Genome position (GRCh38, 1-based): chr5:128,345,582, T>C on the plus strand (A>G on the coding strand, the complement: FBN2 is on the minus strand). VCF-style: chr5-128345582-T-C. GRCh37 (hg19) VCF-style: chr5-127681274-T-C.
Other names: short protein forms I998V.
Identifiers: ClinVar variation 1308118 (VCV001308118.2), dbSNP rs748685559, ClinGen allele CA3395355.

ClinVar aggregate classification (germline): Uncertain significance (1 of 4 stars; one submission).

Allele frequency attached by ClinVar (database versions not stated): ExAC 0.00001.

Submission:

GeneDx
Classification: Uncertain significance. Last evaluated: 2019-03-14. Review status: criteria provided, single submitter. Criteria: GeneDx Variant Classification Process June 2021. Collection method: clinical testing. Allele origin: germline. Affected: yes.
Comment: Not observed in large population cohorts (Lek et al., 2016); Has not been previously published as pathogenic or benign to our knowledge; Does not affect a Cysteine residue within a calcium-binding EGF-like domain of the FBN2 gene. Cysteine substitutions in the calcium-binding EGF-like domains represent the majority of pathogenic missense changes associated with congenital arachnodactyly (Collod-Beroud et al., 2003; Frederic et al., 2009)